The following is an entry in ClinVar:

NM_004836.7(EIF2AK3):c.673G>C (p.Asp225His)

Gene: EIF2AK3 (eukaryotic translation initiation factor 2 alpha kinase 3; minus strand). Cytogenetic location: 2p11.2.
Variant type: single nucleotide variant.
Coding change: c.673G>C on transcript NM_004836.7 (MANE Select); coding-DNA position 673, G replaced by C.
Protein change: p.Asp225His; replaces aspartic acid 225 with histidine.
Molecular consequence: missense variant.
Genome position (GRCh38, 1-based): chr2:88,593,366, C>G on the plus strand (G>C on the coding strand, the complement: EIF2AK3 is on the minus strand). VCF-style: chr2-88593366-C-G. GRCh37 (hg19) VCF-style: chr2-88892884-C-G.
Other names: c.220G>C, p.Asp74His (NM_001313915.2); short protein forms D225H, D74H.
Identifiers: ClinVar variation 1394411 (VCV001394411.5), dbSNP rs367754154, ClinGen allele CA1754865.
Genomic context (GRCh38, chr2:88,593,366, plus strand): 5'-CAGTTTTTTGGGTACGCTGTAGAAGCAGGATGTCTTCCTCTTGTTCCATTTCGTCACTAT[C>G]CCATTGGCGACAACCCAGAGCTGAACAGATATACCTCACCTGAAAAGACAAAATTAGATA-3'
Protein context (NP_004827.4, residues 215-235): ICSALGCRQW[Asp225His]SDEMEQEEDI

ClinVar aggregate classification (germline): Uncertain significance (1 of 4 stars; one submission).

Allele frequency attached by ClinVar (database versions not stated): TOPMed 0.00002; gnomAD 0.00001; ESP Exome Variant Server 0.00008.
gnomAD v4.1: 12 of 1,613,864 alleles (0.00074%); highest among the groups gnomAD compares: Non-Finnish European, 0.001%; no homozygotes.

Submission:

Labcorp Genetics (formerly Invitae), Labcorp
Classification: Uncertain significance. Last evaluated: 2022-03-19. Review status: criteria provided, single submitter. Criteria: Invitae Variant Classification Sherloc (09022015). Collection method: clinical testing. Allele origin: germline.
Comment: This sequence change replaces aspartic acid, which is acidic and polar, with histidine, which is basic and polar, at codon 225 of the EIF2AK3 protein (p.Asp225His). This variant is present in population databases (rs367754154, gnomAD 0.002%). This variant has not been reported in the literature in individuals affected with EIF2AK3-related conditions. Algorithms developed to predict the effect of missense changes on protein structure and function are either unavailable or do not agree on the potential impact of this missense change (SIFT: "Tolerated"; PolyPhen-2: "Possibly Damaging"; Align-GVGD: "Class C0"). In summary, the available evidence is currently insufficient to determine the role of this variant in disease. Therefore, it has been classified as a Variant of Uncertain Significance.